The following is an entry in ClinVar:

ClinVar aggregate classification (germline): Uncertain significance. Review status: criteria provided, multiple submitters, no conflicts (2 of 4 stars). 2 submissions from 2 submitters: Uncertain significance (2). Last evaluated 2025-08-02.

Allele frequency attached by ClinVar (database versions not stated): ExAC 0.00004; ESP Exome Variant Server 0.00008; 1000 Genomes Project 0.00040; 1000 Genomes Project 30x 0.00047.
gnomAD v4.1: 40 of 1,613,584 alleles (0.0025%); highest among the groups gnomAD compares: African/African-American, 0.024%; no homozygotes.

Submissions (2):

Ambry Genetics
Classification: Uncertain significance. Last evaluated: 2025-08-02. Review status: criteria provided, single submitter. Criteria: Ambry Variant Classification Scheme 2023. Collection method: clinical testing. Allele origin: germline.

Labcorp Genetics (formerly Invitae), Labcorp
Classification: Uncertain significance. Last evaluated: 2022-08-16. Review status: criteria provided, single submitter. Criteria: Invitae Variant Classification Sherloc (09022015). Collection method: clinical testing. Allele origin: germline.
Comment: This variant has not been reported in the literature in individuals affected with KRT85-related conditions. This variant is present in population databases (rs370269453, gnomAD 0.02%). This sequence change replaces arginine, which is basic and polar, with histidine, which is basic and polar, at codon 465 of the KRT85 protein (p.Arg465His). Advanced modeling of protein sequence and biophysical properties (such as structural, functional, and spatial information, amino acid conservation, physicochemical variation, residue mobility, and thermodynamic stability) performed at Invitae indicates that this missense variant is not expected to disrupt KRT85 protein function. In summary, the available evidence is currently insufficient to determine the role of this variant in disease. Therefore, it has been classified as a Variant of Uncertain Significance.

NM_002283.4(KRT85):c.1394G>A (p.Arg465His)

Gene: KRT85 (keratin 85; minus strand). Cytogenetic location: 12q13.13.
Variant type: single nucleotide variant.
Coding change: c.1394G>A on transcript NM_002283.4 (MANE Select); coding-DNA position 1394, G replaced by A.
Protein change: p.Arg465His; replaces arginine 465 with histidine.
Molecular consequence: missense variant.
Genome position (GRCh38, 1-based): chr12:52,360,983, C>T on the plus strand (G>A on the coding strand, the complement: KRT85 is on the minus strand). VCF-style: chr12-52360983-C-T. GRCh37 (hg19) VCF-style: chr12-52754767-C-T.
Other names: c.758G>A, p.Arg253His (NM_001300810.1); c.1394G>A (NM_002283.3); short protein forms R253H, R465H.
Identifiers: ClinVar variation 2161757 (VCV002161757.5), dbSNP rs370269453, ClinGen allele CA6577912.